The following is an entry in ClinVar:

ClinVar aggregate classification (germline): Uncertain significance (0 of 4 stars; one submission).

Conditions:
Breast ductal adenocarcinoma. Also called: Ductal breast carcinoma; Breast cancer, invasive ductal. Identifiers: MedGen C1527349, MONDO:0005590.

Submission:

Next Generation Diagnostics, Novartis Institutes for BioMedical Research, Inc.
Classification: Uncertain significance for Breast ductal adenocarcinoma. Last evaluated: 2015-07-20. Review status: no assertion criteria provided. Collection method: research. Allele origin: somatic. Affected: yes.
Comment: Loss of heterozygosity

chr12:4920767-5603935 complex variant

Genes: KCNA1 (potassium voltage-gated channel subfamily A member 1; plus strand), KCNA5 (potassium voltage-gated channel subfamily A member 5; plus strand), KCNA6 (potassium voltage-gated channel subfamily A member 6; plus strand), NTF3 (neurotrophin 3; plus strand). Cytogenetic location: 12p13.32-13.31.
Variant type: Complex.
Identifiers: ClinVar variation 221368 (VCV000221368.2).